The following is an entry in ClinVar:

NM_018136.5(ASPM):c.3068T>G (p.Leu1023Ter)

Gene: ASPM (assembly factor for spindle microtubules; minus strand). Cytogenetic location: 1q31.3.
Variant type: single nucleotide variant.
Coding change: c.3068T>G on transcript NM_018136.5 (MANE Select); coding-DNA position 3068, T replaced by G.
Protein change: p.Leu1023Ter; replaces leucine 1023 with a stop codon.
Molecular consequence: nonsense.
Genome position (GRCh38, 1-based): chr1:197,125,060, A>C on the plus strand (T>G on the coding strand, the complement: ASPM is on the minus strand). VCF-style: chr1-197125060-A-C. GRCh37 (hg19) VCF-style: chr1-197094190-A-C.
Other names: c.3068T>G, p.Leu1023Ter (NM_001206846.2); short protein forms L1023*.
Identifiers: ClinVar variation 4279686 (VCV004279686.1).

ClinVar aggregate classification (germline): Pathogenic (1 of 4 stars; one submission).

Conditions:
Microcephaly 5, primary, autosomal recessive (MCPH5). Also called: ASPM Primary Microcephaly. Identifiers: Orphanet 2512, MedGen C1837501, MONDO:0012106, OMIM 608716.

Submission:

Daryl Scott Lab, Baylor College of Medicine
Classification: Pathogenic for Microcephaly 5, primary, autosomal recessive. Last evaluated: 2025-08-25. Review status: criteria provided, single submitter. Criteria: ACMG Guidelines, 2015. Collection method: clinical testing. Allele origin: paternal. Affected: yes. Observed: 1 compound heterozygote.
Comment: PVS1, PM2, PM3